The following is an entry in ClinVar:

NM_004360.5(CDH1):c.*7C>G

Gene: CDH1 (cadherin 1; plus strand). Cytogenetic location: 16q22.1.
Variant type: single nucleotide variant.
Coding change: c.*7C>G on transcript NM_004360.5 (MANE Select); 7 bases downstream of the stop codon, C replaced by G.
Molecular consequence: 3 prime UTR variant.
Genome position (GRCh38, 1-based): chr16:68,833,506, C>G. VCF-style: chr16-68833506-C-G. GRCh37 (hg19) VCF-style: chr16-68867409-C-G.
Other names: c.*7C>G (NM_001317184.2, NM_001317185.2, NM_001317186.2).
Identifiers: ClinVar variation 2503014 (VCV002503014.1), dbSNP rs9282652, ClinGen allele CA978522971.

ClinVar aggregate classification (germline): Uncertain significance (1 of 4 stars; one submission).

Conditions:
Hereditary diffuse gastric adenocarcinoma (HDGC). Also called: DIFFUSE GASTRIC AND LOBULAR BREAST CANCER SYNDROME. Identifiers: Orphanet 26106, MedGen C1708349, MONDO:0007648, OMIM 137215.

gnomAD v4.1: 2 of 1,610,758 alleles (0.00012%); highest among the groups gnomAD compares: African/African-American, 0.0013%; no homozygotes.

Submission:

European Reference Network on Genetic Tumour Risk Syndromes (ERN-GENTURIS), i3s - Instituto de Investigação e Inovação em Saúde, University of Porto
Classification: Uncertain significance for Hereditary diffuse gastric adenocarcinoma. Last evaluated: 2022-08-01. Review status: criteria provided, single submitter. Criteria: Lee et al. (Hum Mutat. 2018). Collection method: clinical testing. Allele origin: germline. Inheritance: Autosomal dominant inheritance. Affected: no. Study: ERN GENTURIS.
Comment: PM2 (PMID: 30311375)

Literature cited by the submitters: PubMed 36436516.